The following is an entry in ClinVar:

ClinVar aggregate classification (germline): Uncertain significance (0 of 4 stars; one submission).

Conditions:
PLXNA4-related disorder. Also called: PLXNA4-related condition.

Allele frequency attached by ClinVar (database versions not stated): gnomAD exomes 0.00004; ESP Exome Variant Server 0.00008; ExAC 0.00010; TOPMed 0.00010; gnomAD 0.00012; 1000 Genomes Project 0.00020; 1000 Genomes Project 30x 0.00031.
gnomAD v4.1: 79 of 1,584,910 alleles (0.005%); highest among the groups gnomAD compares: Admixed American, 0.015%; no homozygotes.

Submission:

PreventionGenetics, part of Exact Sciences
Classification: Uncertain significance for PLXNA4-related condition. Last evaluated: 2024-05-28. Review status: no assertion criteria provided. Collection method: clinical testing. Allele origin: germline.
Comment: The PLXNA4 c.4031G>A variant is predicted to result in the amino acid substitution p.Arg1344Gln. To our knowledge, this variant has not been reported in the literature. This variant is reported in 0.013% of alleles in individuals of Ashkenazi Jewish descent in gnomAD. At this time, the clinical significance of this variant is uncertain due to the absence of conclusive functional and genetic evidence.

NM_020911.2(PLXNA4):c.4031G>A (p.Arg1344Gln)

Gene: PLXNA4 (plexin A4; minus strand). Cytogenetic location: 7q32.3.
Variant type: single nucleotide variant.
Coding change: c.4031G>A on transcript NM_020911.2 (MANE Select); coding-DNA position 4031, G replaced by A.
Protein change: p.Arg1344Gln; replaces arginine 1344 with glutamine.
Molecular consequence: missense variant.
Genome position (GRCh38, 1-based): chr7:132,168,559, C>T on the plus strand (G>A on the coding strand, the complement: PLXNA4 is on the minus strand). VCF-style: chr7-132168559-C-T. GRCh37 (hg19) VCF-style: chr7-131853318-C-T.
Other names: c.4031G>A, p.Arg1344Gln (NM_001393897.1); short protein forms R1344Q.
Identifiers: ClinVar variation 3054195 (VCV003054195.2), dbSNP rs201634564, ClinGen allele CA4489287.
Genomic context (GRCh38, chr7:132,168,559, plus strand): 5'-AACACCTTGTTGTTGATGAGCTGGGCGAAGAGCTTCAGGCCTTTCTCCACACGCTCCTGC[C>T]GGTAGCCCGGGACCTGCAGAGAGACCTAGGAGTCGTGATGCCATTGGCAGGTTGGGGAGC-3'
Protein context (NP_065962.1, residues 1334-1354): VLRDLEVPGY[Arg1344Gln]QERVEKGLKL